The following is an entry in ClinVar:

NM_006618.5(KDM5B):c.1538+1G>A

Gene: KDM5B (lysine demethylase 5B; minus strand). Cytogenetic location: 1q32.1.
Variant type: single nucleotide variant.
Coding change: c.1538+1G>A on transcript NM_006618.5 (MANE Select); the canonical splice donor site of the intron after coding-DNA position 1538, G replaced by A.
Molecular consequence: splice donor variant.
Genome position (GRCh38, 1-based): chr1:202,755,270, C>T on the plus strand (G>A on the coding strand, the complement: KDM5B is on the minus strand). VCF-style: chr1-202755270-C-T. GRCh37 (hg19) VCF-style: chr1-202724398-C-T.
Other names: c.1523+1G>A (NM_001399817.1); c.1403+1G>A (NM_001347591.2); c.1646+1G>A (NM_001314042.2).
Identifiers: ClinVar variation 3774970 (VCV003774970.2).

ClinVar aggregate classification (germline): Likely pathogenic (1 of 4 stars; one submission).

gnomAD v4.1: 1 of 1,613,334 alleles (0.000062%); no homozygotes.

Submission:

GeneDx
Classification: Likely pathogenic. Last evaluated: 2026-02-18. Review status: criteria provided, single submitter. Criteria: GeneDx Variant Classification Process June 2021. Collection method: clinical testing. Allele origin: germline.
Comment: Has not been previously published as pathogenic or benign to our knowledge; Not observed at significant frequency in large population cohorts (gnomAD); Canonical splice site variant predicted to result in a null allele in a gene for which loss of function is a known mechanism of disease